The following is an entry in ClinVar:

NM_001277115.2(DNAH11):c.4218G>T (p.Arg1406Ser)

Gene: DNAH11 (dynein axonemal heavy chain 11; plus strand). Cytogenetic location: 7p15.3.
Variant type: single nucleotide variant.
Coding change: c.4218G>T on transcript NM_001277115.2 (MANE Select); coding-DNA position 4218, G replaced by T.
Protein change: p.Arg1406Ser; replaces arginine 1406 with serine.
Molecular consequence: missense variant.
Genome position (GRCh38, 1-based): chr7:21,617,741, G>T. VCF-style: chr7-21617741-G-T. GRCh37 (hg19) VCF-style: chr7-21657359-G-T.
Other names: short protein forms R1406S.
Identifiers: ClinVar variation 961355 (VCV000961355.7), dbSNP rs1016300664, ClinGen allele CA366952388.

ClinVar aggregate classification (germline): Uncertain significance (1 of 4 stars; one submission).

Conditions:
Primary ciliary dyskinesia. Also called: Ciliary dyskinesia. Identifiers: Orphanet 244, MedGen C0008780, MONDO:0016575, HP:0012265.

Allele frequency attached by ClinVar (database versions not stated): gnomAD 0.00001.
gnomAD v4.1: 1 of 1,608,954 alleles (0.000062%); highest among the groups gnomAD compares: Admixed American, 0.0017%; no homozygotes.

Submission:

Labcorp Genetics (formerly Invitae), Labcorp
Classification: Uncertain significance for Primary ciliary dyskinesia. Last evaluated: 2021-09-01. Review status: criteria provided, single submitter. Criteria: Invitae Variant Classification Sherloc (09022015). Collection method: clinical testing. Allele origin: germline.
Comment: This sequence change replaces arginine with serine at codon 1406 of the DNAH11 protein (p.Arg1406Ser). The arginine residue is moderately conserved and there is a moderate physicochemical difference between arginine and serine. This variant is not present in population databases (ExAC no frequency). This variant has not been reported in the literature in individuals affected with DNAH11-related conditions. Algorithms developed to predict the effect of missense changes on protein structure and function are either unavailable or do not agree on the potential impact of this missense change (SIFT: "Deleterious"; PolyPhen-2: "Possibly Damaging"; Align-GVGD: "Class C0"). In summary, the available evidence is currently insufficient to determine the role of this variant in disease. Therefore, it has been classified as a Variant of Uncertain Significance.